The following is an entry in ClinVar:

NM_015512.5(DNAH1):c.4848G>A (p.Met1616Ile)

Gene: DNAH1 (dynein axonemal heavy chain 1; plus strand). Cytogenetic location: 3p21.1.
Variant type: single nucleotide variant.
Coding change: c.4848G>A on transcript NM_015512.5 (MANE Select); coding-DNA position 4848, G replaced by A.
Protein change: p.Met1616Ile; replaces methionine 1616 with isoleucine.
Molecular consequence: missense variant.
Genome position (GRCh38, 1-based): chr3:52,361,326, G>A. VCF-style: chr3-52361326-G-A. GRCh37 (hg19) VCF-style: chr3-52395342-G-A.
Other names: short protein forms M1616I.
Identifiers: ClinVar variation 2177731 (VCV002177731.4), dbSNP rs2471209163, ClinGen allele CA353134812.

ClinVar aggregate classification (germline): Uncertain significance (1 of 4 stars; one submission).

Conditions:
Ciliary dyskinesia, primary, 37 (CILD37). Also called: CILIARY DYSKINESIA, PRIMARY, 37, WITH OR WITHOUT SITUS INVERSUS. Identifiers: MedGen C4539798, MONDO:0033204, OMIM 617577.
Spermatogenic failure 18. Identifiers: MedGen C4539783, MONDO:0054615, OMIM 617576.

Submission:

Labcorp Genetics (formerly Invitae), Labcorp
Classification: Uncertain significance for Ciliary dyskinesia, primary, 37; Spermatogenic failure 18. Last evaluated: 2022-07-06. Review status: criteria provided, single submitter. Criteria: Invitae Variant Classification Sherloc (09022015). Collection method: clinical testing. Allele origin: germline.
Comment: In summary, the available evidence is currently insufficient to determine the role of this variant in disease. Therefore, it has been classified as a Variant of Uncertain Significance. Algorithms developed to predict the effect of sequence changes on RNA splicing suggest that this variant may create or strengthen a splice site. Algorithms developed to predict the effect of missense changes on protein structure and function are either unavailable or do not agree on the potential impact of this missense change (SIFT: "Deleterious"; PolyPhen-2: "Possibly Damaging"; Align-GVGD: "Class C0"). This variant has not been reported in the literature in individuals affected with DNAH1-related conditions. This variant is not present in population databases (gnomAD no frequency). This sequence change replaces methionine, which is neutral and non-polar, with isoleucine, which is neutral and non-polar, at codon 1616 of the DNAH1 protein (p.Met1616Ile).